The following is an entry in ClinVar:

ClinVar aggregate classification (germline): Likely pathogenic (1 of 4 stars; one submission).

Conditions:
Cone-rod dystrophy 13 (CORD13). Identifiers: Orphanet 1872, MedGen C2750720, MONDO:0011987, OMIM 608194.
Leber congenital amaurosis 6 (LCA6). Identifiers: Orphanet 65, MedGen C1854260, MONDO:0013446, OMIM 613826.

Allele frequency attached by ClinVar (database versions not stated): gnomAD exomes below 0.00001; TOPMed 0.00002.
gnomAD v4.1: 1 of 1,602,132 alleles (0.000062%); highest among the groups gnomAD compares: Non-Finnish European, 0.000085%; no homozygotes.

Submission:

Labcorp Genetics (formerly Invitae), Labcorp
Classification: Likely pathogenic for Leber congenital amaurosis 6; Cone-rod dystrophy 13. Last evaluated: 2025-05-12. Review status: criteria provided, single submitter. Criteria: Invitae Variant Classification Sherloc (09022015). Collection method: clinical testing. Allele origin: germline.
Comment: This sequence change affects an acceptor splice site in intron 14 of the RPGRIP1 gene. It is expected to disrupt RNA splicing. Variants that disrupt the donor or acceptor splice site typically lead to a loss of protein function (PMID: 16199547), and loss-of-function variants in RPGRIP1 are known to be pathogenic (PMID: 11528500, 23105016). This variant is not present in population databases (gnomAD no frequency). This variant has not been reported in the literature in individuals affected with RPGRIP1-related conditions. ClinVar contains an entry for this variant (Variation ID: 1514436). Algorithms developed to predict the effect of sequence changes on RNA splicing suggest that this variant may disrupt the consensus splice site. In summary, the currently available evidence indicates that the variant is pathogenic, but additional data are needed to prove that conclusively. Therefore, this variant has been classified as Likely Pathogenic.

Literature cited by the submitters: PubMed 16199547; PubMed 11528500; PubMed 23105016.

NM_020366.4(RPGRIP1):c.2216-1G>A

Gene: RPGRIP1 (RPGR interacting protein 1; plus strand). Cytogenetic location: 14q11.2.
Variant type: single nucleotide variant.
Coding change: c.2216-1G>A on transcript NM_020366.4 (MANE Select); the canonical splice acceptor site of the intron before coding-DNA position 2216, G replaced by A.
Molecular consequence: splice acceptor variant. On other transcripts: intron variant (4).
Genome position (GRCh38, 1-based): chr14:21,325,231, G>A. VCF-style: chr14-21325231-G-A. GRCh37 (hg19) VCF-style: chr14-21793390-G-A.
Other names: c.1142-1G>A (NM_001377948.1); c.796+506G>A (NM_001377949.1); c.689-2392G>A (NM_001377523.1, NM_001377950.1); c.191-2392G>A (NM_001377951.1).
Identifiers: ClinVar variation 1514436 (VCV001514436.8), dbSNP rs970696880, ClinGen allele CA257536084.